The following is an entry in ClinVar:

NM_001852.4(COL9A2):c.1162-7A>G

Gene: COL9A2 (collagen type IX alpha 2 chain; minus strand). Cytogenetic location: 1p34.2.
Variant type: single nucleotide variant.
Coding change: c.1162-7A>G on transcript NM_001852.4 (MANE Select); 7 bases into the intron before coding-DNA position 1162, A replaced by G.
Molecular consequence: intron variant.
Genome position (GRCh38, 1-based): chr1:40,304,536, T>C on the plus strand (A>G on the coding strand, the complement: COL9A2 is on the minus strand). VCF-style: chr1-40304536-T-C. GRCh37 (hg19) VCF-style: chr1-40770208-T-C.
Identifiers: ClinVar variation 297300 (VCV000297300.12), dbSNP rs557381059, ClinGen allele CA791553.

ClinVar aggregate classification (germline): Likely benign. Review status: criteria provided, multiple submitters, no conflicts (2 of 4 stars). 2 submissions from 2 submitters: Likely benign (2). Last evaluated 2025-07-09.

Conditions:
Epiphyseal dysplasia, multiple, 2 (EDM2). Also called: COL9A2-Related Multiple Epiphyseal Dysplasia. Identifiers: MedGen C1838429, MONDO:0010844, OMIM 600204.

Allele frequency attached by ClinVar (database versions not stated): gnomAD below 0.00001 and 0.00003; gnomAD exomes 0.00002 and 0.00004; ExAC 0.00007; 1000 Genomes Project 30x 0.00016; 1000 Genomes Project 0.00020.
gnomAD v4.1: 36 of 1,614,086 alleles (0.0022%); highest among the groups gnomAD compares: South Asian, 0.038%; no homozygotes.

Submissions (2):

Labcorp Genetics (formerly Invitae), Labcorp
Classification: Likely benign. Last evaluated: 2025-07-09. Review status: criteria provided, single submitter. Criteria: Invitae Variant Classification Sherloc (09022015). Collection method: clinical testing. Allele origin: germline.

Illumina Laboratory Services, Illumina
Classification: Likely benign for Epiphyseal dysplasia, multiple, 2. Last evaluated: 2018-01-12. Review status: criteria provided, single submitter. Criteria: ICSL Variant Classification Criteria 13 December 2019. Collection method: clinical testing. Allele origin: germline.
Comment: This variant was observed in the ICSL laboratory as part of a predisposition screen in an ostensibly healthy population. It had not been previously curated by ICSL or reported in the Human Gene Mutation Database (HGMD: prior to June 1st, 2018), and was therefore a candidate for classification through an automated scoring system. Utilizing variant allele frequency, disease prevalence and penetrance estimates, and inheritance mode, an automated score was calculated to assess if this variant is too frequent to cause the disease. Based on the score and internal cut-off values, a variant classified as likely benign is not then subjected to further curation. The score for this variant resulted in a classification of likely benign for this disease.